The following is an entry in ClinVar:

NM_002641.4(PIGA):c.677T>C (p.Ile226Thr)

Gene: PIGA (phosphatidylinositol glycan anchor biosynthesis class A; minus strand). Cytogenetic location: Xp22.2.
Variant type: single nucleotide variant.
Coding change: c.677T>C on transcript NM_002641.4 (MANE Select); coding-DNA position 677, T replaced by C.
Protein change: p.Ile226Thr; replaces isoleucine 226 with threonine.
Molecular consequence: missense variant. On other transcripts: intron variant (1).
Genome position (GRCh38, 1-based): chrX:15,331,254, A>G on the plus strand (T>C on the coding strand, the complement: PIGA is on the minus strand). VCF-style: chrX-15331254-A-G. GRCh37 (hg19) VCF-style: chrX-15349376-A-G.
Other names: c.13+4247T>C (NM_020473.3); short protein forms I226T.
Identifiers: ClinVar variation 1430062 (VCV001430062.8), dbSNP rs2147723521, ClinGen allele CA412338631.

ClinVar aggregate classification (germline): Uncertain significance (1 of 4 stars; one submission).

Conditions:
Multiple congenital anomalies-hypotonia-seizures syndrome 2 (MCAHS2). Also called: EPILEPTIC ENCEPHALOPATHY, EARLY INFANTILE, 20; GLYCOSYLPHOSPHATIDYLINOSITOL BIOSYNTHESIS DEFECT 4. Identifiers: Orphanet 300496, MedGen C3275508, MONDO:0010466, OMIM 300868.

Submission:

Labcorp Genetics (formerly Invitae), Labcorp
Classification: Uncertain significance for Multiple congenital anomalies-hypotonia-seizures syndrome 2. Last evaluated: 2021-01-14. Review status: criteria provided, single submitter. Criteria: Invitae Variant Classification Sherloc (09022015). Collection method: clinical testing. Allele origin: germline.
Comment: This sequence change replaces isoleucine with threonine at codon 226 of the PIGA protein (p.Ile226Thr). The isoleucine residue is moderately conserved and there is a moderate physicochemical difference between isoleucine and threonine. This variant is not present in population databases (ExAC no frequency). This variant has not been reported in the literature in individuals with PIGA-related conditions. Algorithms developed to predict the effect of missense changes on protein structure and function (SIFT, PolyPhen-2, Align-GVGD) all suggest that this variant is likely to be tolerated, but these predictions have not been confirmed by published functional studies and their clinical significance is uncertain. In summary, the available evidence is currently insufficient to determine the role of this variant in disease. Therefore, it has been classified as a Variant of Uncertain Significance.